The following is an entry in ClinVar:

ClinVar aggregate classification (germline): Pathogenic. Review status: criteria provided, multiple submitters, no conflicts (2 of 4 stars). 4 submissions from 4 submitters: Pathogenic (4). Last evaluated 2026-07-31.

Conditions:
Hereditary breast ovarian cancer syndrome. Also called: BRCA1- and BRCA2-Associated Hereditary Breast and Ovarian Cancer; Hereditary breast and ovarian cancer syndrome; Breast and ovarian cancer; Hereditary breast and ovarian cancer syndrome (HBOC); Hereditary breast and ovarian cancer; Hereditary breast and/or ovarian cancer syndrome. Identifiers: Orphanet 145, MedGen C0677776, MeSH D061325, MONDO:0003582. Disease mechanism: loss of function.
Hereditary cancer-predisposing syndrome. Also called: Hereditary neoplastic syndrome; Neoplastic Syndromes, Hereditary; Tumor predisposition; Hereditary Cancer Syndrome. Identifiers: Orphanet 140162, MedGen C0027672, MeSH D009386, MONDO:0015356.
Breast-ovarian cancer, familial, susceptibility to, 2 (BROVCA2). Also called: BRCA2 Hereditary Breast and Ovarian Cancer. Identifiers: Orphanet 145, MedGen C2675520, MONDO:0012933, OMIM 612555. Disease mechanism: loss of function.
Familial cancer of breast. Also called: hereditary breast carcinoma; BREAST CANCER, FAMILIAL; Hereditary breast cancer. Identifiers: Orphanet 227535, MedGen C0346153, MONDO:0016419, OMIM 114480. Disease mechanism: loss of function.

Submissions (4):

Myriad Genetics, Inc.
Classification: Pathogenic for Breast-ovarian cancer, familial, susceptibility to, 2. Last evaluated: 2026-07-31. Review status: criteria provided, single submitter. Criteria: Myriad Autosomal Dominant, Autosomal Recessive and X-Linked Classification Criteria (2023). Collection method: clinical testing. Allele origin: unknown.
Comment: This variant is considered pathogenic. This variant creates a frameshift predicted to result in premature protein truncation.

Ambry Genetics
Classification: Pathogenic for Hereditary cancer-predisposing syndrome. Last evaluated: 2024-12-05. Review status: criteria provided, single submitter. Criteria: Ambry Variant Classification Scheme 2023. Collection method: clinical testing. Allele origin: germline.
Comment: The c.3157_3163delTTAGATA pathogenic mutation, located in coding exon 10 of the BRCA2 gene, results from a deletion of 7 nucleotides at nucleotide positions 3157 to 3163, causing a translational frameshift with a predicted alternate stop codon (p.L1053Ifs*5). This alteration is expected to result in loss of function by premature protein truncation or nonsense-mediated mRNA decay. As such, this alteration is interpreted as a disease-causing mutation.

Labcorp Genetics (formerly Invitae), Labcorp
Classification: Pathogenic for Hereditary breast ovarian cancer syndrome. Last evaluated: 2024-06-19. Review status: criteria provided, single submitter. Criteria: Invitae Variant Classification Sherloc (09022015). Collection method: clinical testing. Allele origin: germline.
Comment: This sequence change creates a premature translational stop signal (p.Leu1053Ilefs*5) in the BRCA2 gene. It is expected to result in an absent or disrupted protein product. Loss-of-function variants in BRCA2 are known to be pathogenic (PMID: 20104584). This variant is not present in population databases (gnomAD no frequency). This premature translational stop signal has been observed in individual(s) with breast cancer (PMID: 30175445). ClinVar contains an entry for this variant (Variation ID: 823019). For these reasons, this variant has been classified as Pathogenic.

Baylor Genetics
Classification: Pathogenic for Familial cancer of breast. Last evaluated: 2022-07-15. Review status: criteria provided, single submitter. Criteria: ACMG Guidelines, 2015. Collection method: clinical testing. Allele origin: unknown.

Literature cited by the submitters: PubMed 20104584 (cited by Labcorp Genetics (formerly Invitae), Labcorp); PubMed 30175445 (cited by Labcorp Genetics (formerly Invitae), Labcorp).

NM_000059.4(BRCA2):c.3157_3163del (p.Leu1053fs)

Gene: BRCA2 (BRCA2 DNA repair associated; plus strand). Cytogenetic location: 13q13.1.
Variant type: Deletion.
Coding change: c.3157_3163del on transcript NM_000059.4 (MANE Select); coding-DNA positions 3157 to 3163, 7 bases deleted (TTAGATA; older notation c.3157_3163delTTAGATA).
Protein change: p.Leu1053fs; shifts the reading frame from leucine 1053.
Molecular consequence: frameshift variant.
Genome position (GRCh38, 1-based): chr13:32,337,512-32,337,518, TTAGATA deleted; deleting any 7 consecutive bases within chr13:32,337,511-32,337,518 gives the same sequence; the c. name uses the placement nearest the transcript's 3' end. VCF-style (leftmost placement, unchanged base first): chr13-32337510-CATTAGAT-C. GRCh37 (hg19) VCF-style: chr13-32911647-CATTAGAT-C.
Other names: short protein forms L1053fs.
Identifiers: ClinVar variation 823019 (VCV000823019.11), dbSNP rs1593898717, ClinGen allele CA915948448.